The following is an entry in ClinVar:

NM_201384.3(PLEC):c.13402G>A (p.Ala4468Thr)

Gene: PLEC (plectin; minus strand). Cytogenetic location: 8q24.3.
Variant type: single nucleotide variant.
Coding change: c.13402G>A on transcript NM_201384.3 (MANE Select); coding-DNA position 13402, G replaced by A.
Protein change: p.Ala4468Thr; replaces alanine 4468 with threonine.
Molecular consequence: missense variant.
Genome position (GRCh38, 1-based): chr8:143,916,419, C>T on the plus strand (G>A on the coding strand, the complement: PLEC is on the minus strand). VCF-style: chr8-143916419-C-T. GRCh37 (hg19) VCF-style: chr8-144990587-C-T.
Other names: c.13483G>A, p.Ala4495Thr (NM_000445.5); c.13360G>A, p.Ala4454Thr (NM_201378.4); c.13336G>A, p.Ala4446Thr (NM_201379.3); c.13813G>A, p.Ala4605Thr (NM_201380.4); c.13306G>A, p.Ala4436Thr (NM_201381.3); c.13402G>A, p.Ala4468Thr (NM_201382.4); c.13414G>A, p.Ala4472Thr (NM_201383.3); short protein forms A4436T, A4446T, A4454T, A4468T, A4472T, A4495T, A4605T.
Identifiers: ClinVar variation 93032 (VCV000093032.21), dbSNP rs112322162, ClinGen allele CA146295.

ClinVar aggregate classification (germline): Benign/Likely benign. Review status: criteria provided, multiple submitters, no conflicts (2 of 4 stars). 6 submissions from 6 submitters: Benign (4); Likely benign (2). Last evaluated 2026-09-01.

Conditions:
Epidermolysis bullosa simplex with nail dystrophy (EBS5D). Identifiers: MedGen C4225309, MONDO:0014661, OMIM 616487.
Epidermolysis bullosa simplex 5C, with pyloric atresia (EBS5C). Also called: PLEC-Related Epidermolysis Bullosa with Pyloric Atresia; Epidermolysis bullosa simplex with pyloric atresia; PLEC1-Related Epidermolysis Bullosa with Pyloric Atresia. Identifiers: Orphanet 158684, MedGen C2677349, MONDO:0012807, OMIM 612138.
Epidermolysis bullosa simplex 5B, with muscular dystrophy (EBS5B). Also called: EPIDERMOLYSIS BULLOSA SIMPLEX AND LIMB-GIRDLE MUSCULAR DYSTROPHY; Epidermolysis bullosa simplex with muscular dystrophy. Identifiers: Orphanet 257, MedGen C2931072, MONDO:0009181, OMIM 226670.
Autosomal recessive limb-girdle muscular dystrophy type 2Q (LGMDR17). Also called: MUSCULAR DYSTROPHY, LIMB-GIRDLE, AUTOSOMAL RECESSIVE 17. Identifiers: Orphanet 254361, MedGen C3150989, MONDO:0013390, OMIM 613723.
Epidermolysis bullosa simplex, Ogna type (EBS5A). Also called: Pidermolysis bullosa simplex 5A, Ogna type; EPIDERMOLYSIS BULLOSA SIMPLEX 5A, OGNA TYPE. Identifiers: Orphanet 79401, MedGen C0432317, MONDO:0007555, OMIM 131950.

Allele frequency attached by ClinVar (database versions not stated): TOPMed 0.00453; 1000 Genomes Project 30x 0.00406; 1000 Genomes Project 0.00399; gnomAD 0.00409 and 0.00381; gnomAD exomes 0.00037 and 0.00096; ExAC 0.00111; ESP Exome Variant Server 0.00367.
gnomAD v4.1: 1,182 of 1,611,570 alleles (0.073%); highest among the groups gnomAD compares: African/African-American, 1.3%; 8 homozygotes.

Submissions (6):

CeGaT Center for Human Genetics Tuebingen
Classification: Likely benign. Last evaluated: 2026-09-01. Review status: criteria provided, single submitter. Criteria: CeGaT Center For Human Genetics Tuebingen Variant Classification Criteria Version 2. Collection method: clinical testing. Allele origin: germline. Affected: yes. Observed: 1 variant allele.
Comment: PLEC: BP4, BS1

Labcorp Genetics (formerly Invitae), Labcorp
Classification: Benign for Autosomal recessive limb-girdle muscular dystrophy type 2Q; Epidermolysis bullosa simplex, Ogna type; Epidermolysis bullosa simplex with nail dystrophy; Epidermolysis bullosa simplex 5C, with pyloric atresia; Epidermolysis bullosa simplex 5B, with muscular dystrophy. Last evaluated: 2026-01-27. Review status: criteria provided, single submitter. Criteria: Invitae Variant Classification Sherloc (09022015). Collection method: clinical testing. Allele origin: germline.

Blueprint Genetics
Classification: Likely benign. Last evaluated: 2024-10-08. Review status: criteria provided, single submitter. Criteria: ACMG Guidelines, 2015. Collection method: clinical testing. Allele origin: germline.

GeneDx
Classification: Benign. Last evaluated: 2018-08-06. Review status: criteria provided, single submitter. Criteria: GeneDx Variant Classification Process June 2021. Collection method: clinical testing. Allele origin: germline. Affected: yes.

Eurofins Ntd Llc (ga)
Classification: Benign. Last evaluated: 2013-04-18. Review status: criteria provided, single submitter. Criteria: EGL Classification Definitions 2015. Collection method: clinical testing. Allele origin: germline. Observed: 2 variant alleles, 2 heterozygotes.

Breakthrough Genomics
Classification: Benign. Review status: criteria provided, single submitter. Criteria: ACMG Guidelines, 2015. Collection method: not provided. Allele origin: germline. Inheritance: Autosomal recessive inheritance. Affected: yes.